The following is an entry in ClinVar:

ClinVar aggregate classification (germline): Uncertain significance (1 of 4 stars; one submission).

Conditions:
Ornithine carbamoyltransferase deficiency (OTCD). Also called: Ornithine Carbamoyltransferase Deficiency Disease; ORNITHINE TRANSCARBAMYLASE DEFICIENCY; ORNITHINE TRANSCARBAMYLASE DEFICIENCY, HYPERAMMONEMIA DUE TO; OTC DEFICIENCY. Identifiers: Orphanet 664, MedGen C0268542, MONDO:0010703, OMIM 311250.

Submission:

Labcorp Genetics (formerly Invitae), Labcorp
Classification: Uncertain significance for Ornithine carbamoyltransferase deficiency. Last evaluated: 2023-08-30. Review status: criteria provided, single submitter. Criteria: Invitae Variant Classification Sherloc (09022015). Collection method: clinical testing. Allele origin: germline.
Comment: This sequence change replaces serine, which is neutral and polar, with arginine, which is basic and polar, at codon 123 of the OTC protein (p.Ser123Arg). This variant is not present in population databases (gnomAD no frequency). This variant has not been reported in the literature in individuals affected with OTC-related conditions. Advanced modeling of protein sequence and biophysical properties (such as structural, functional, and spatial information, amino acid conservation, physicochemical variation, residue mobility, and thermodynamic stability) performed at Invitae indicates that this missense variant is expected to disrupt OTC protein function. In summary, the available evidence is currently insufficient to determine the role of this variant in disease. Therefore, it has been classified as a Variant of Uncertain Significance.

NM_000531.6(OTC):c.369T>A (p.Ser123Arg)

Gene: OTC (ornithine transcarbamylase; plus strand). Cytogenetic location: Xp11.4.
Variant type: single nucleotide variant.
Coding change: c.369T>A on transcript NM_000531.6 (MANE Select); coding-DNA position 369, T replaced by A.
Protein change: p.Ser123Arg; replaces serine 123 with arginine.
Molecular consequence: missense variant.
Genome position (GRCh38, 1-based): chrX:38,381,412, T>A. VCF-style: chrX-38381412-T-A. GRCh37 (hg19) VCF-style: chrX-38240665-T-A.
Other names: c.369T>A, p.Ser123Arg (NM_001407092.1); short protein forms S123R.
Identifiers: ClinVar variation 2904592 (VCV002904592.3), dbSNP rs2519959249, ClinGen allele CA412718538.